The following is an entry in ClinVar:

ClinVar aggregate classification (germline): Uncertain significance. Review status: criteria provided, multiple submitters, no conflicts (2 of 4 stars). 2 submissions from 2 submitters: Uncertain significance (2). Last evaluated 2024-03-11.

Conditions:
Tay-Sachs disease (TSD). Also called: GM2 gangliosidosis, type 1; Hexosaminidase alpha-subunit deficiency (variant B); Sphingolipidosis, Tay-Sachs; Hexosaminidase A Deficiency; HEXA DEFICIENCY; HEXA Disorders. Identifiers: Orphanet 845, MedGen C0039373, MONDO:0010100, OMIM 272800.
Inborn genetic diseases. Identifiers: MedGen C0950123, MeSH D030342.

Allele frequency attached by ClinVar (database versions not stated): gnomAD 0.00001.
gnomAD v4.1: 10 of 1,613,986 alleles (0.00062%); highest among the groups gnomAD compares: South Asian, 0.0099%; no homozygotes.

Submissions (2):

Ambry Genetics
Classification: Uncertain significance for Inborn genetic diseases. Last evaluated: 2024-03-11. Review status: criteria provided, single submitter. Criteria: Ambry Variant Classification Scheme 2023. Collection method: clinical testing. Allele origin: germline.

Labcorp Genetics (formerly Invitae), Labcorp
Classification: Uncertain significance for Tay-Sachs disease. Last evaluated: 2018-04-12. Review status: criteria provided, single submitter. Criteria: Invitae Variant Classification Sherloc (09022015). Collection method: clinical testing. Allele origin: germline.
Comment: This sequence change replaces asparagine with serine at codon 399 of the HEXA protein (p.Asn399Ser). The asparagine residue is weakly conserved and there is a small physicochemical difference between asparagine and serine. This variant is present in population databases (rs755973971, ExAC 0.01%). This variant has not been reported in the literature in individuals with HEXA-related disease. Algorithms developed to predict the effect of missense changes on protein structure and function output the following: SIFT: "Tolerated"; PolyPhen-2: "Benign"; Align-GVGD: "Class C0". The serine amino acid residue is found in multiple mammalian species, suggesting that this missense change does not adversely affect protein function. These predictions have not been confirmed by published functional studies and their clinical significance is uncertain. In summary, the available evidence is currently insufficient to determine the role of this variant in disease. Therefore, it has been classified as a Variant of Uncertain Significance.

NM_000520.6(HEXA):c.1196A>G (p.Asn399Ser)

Gene: HEXA (hexosaminidase subunit alpha; minus strand). Cytogenetic location: 15q23.
Variant type: single nucleotide variant.
Coding change: c.1196A>G on transcript NM_000520.6 (MANE Select); coding-DNA position 1196, A replaced by G.
Protein change: p.Asn399Ser; replaces asparagine 399 with serine.
Molecular consequence: missense variant.
Genome position (GRCh38, 1-based): chr15:72,346,661, T>C on the plus strand (A>G on the coding strand, the complement: HEXA is on the minus strand). VCF-style: chr15-72346661-T-C. GRCh37 (hg19) VCF-style: chr15-72639002-T-C.
Other names: c.1229A>G, p.Asn410Ser (NM_001318825.2); c.1196A>G (NM_000520.4); short protein forms N410S, N399S.
Identifiers: ClinVar variation 2168891 (VCV002168891.2), dbSNP rs755973971, ClinGen allele CA7644758.